The following is an entry in ClinVar:

ClinVar aggregate classification (germline): Uncertain significance (1 of 4 stars; one submission).

Conditions:
Combined oxidative phosphorylation deficiency 59 (COXPD59). Identifiers: MedGen C5882730, MONDO:0957992, OMIM 620646.

gnomAD v4.1: 8 of 1,605,616 alleles (0.0005%); highest among the groups gnomAD compares: South Asian, 0.0022%; no homozygotes.

Submission:

3billion
Classification: Uncertain significance for Combined oxidative phosphorylation deficiency 59. Last evaluated: 2025-12-12. Review status: criteria provided, single submitter. Criteria: ACMG Guidelines, 2015. Collection method: clinical testing. Allele origin: germline. Affected: yes.
Comment: The variant is observed at an extremely low frequency in the gnomAD v4.1.0 dataset (total allele frequency: <0.001%). Predicted Consequence/Location: Missense variant In silico tool prediction suggests damaging effect of the variant on gene or gene product [3Cnet: 0.87 (> 0.75, sensitivity 0.96 and precision 0.92)]. Therefore, this variant is classified as VUS according to the recommendation of ACMG/AMP guideline.

NM_017446.4(MRPL39):c.289G>A (p.Glu97Lys)

Gene: MRPL39 (mitochondrial ribosomal protein L39; minus strand). Cytogenetic location: 21q21.3.
Variant type: single nucleotide variant.
Coding change: c.289G>A on transcript NM_017446.4 (MANE Select); coding-DNA position 289, G replaced by A.
Protein change: p.Glu97Lys; replaces glutamic acid 97 with lysine.
Molecular consequence: missense variant.
Genome position (GRCh38, 1-based): chr21:25,603,927, C>T on the plus strand (G>A on the coding strand, the complement: MRPL39 is on the minus strand). VCF-style: chr21-25603927-C-T. GRCh37 (hg19) VCF-style: chr21-26976239-C-T.
Other names: c.289G>A, p.Glu97Lys (NM_080794.4); short protein forms E97K.
Identifiers: ClinVar variation 4855489 (VCV004855489.1).